The following is an entry in ClinVar:

NM_006019.4(TCIRG1):c.21C>T (p.Ser7=)

Gene: TCIRG1 (T cell immune regulator 1, ATPase H+ transporting V0 subunit a3; plus strand). Cytogenetic location: 11q13.2.
Variant type: single nucleotide variant.
Coding change: c.21C>T on transcript NM_006019.4 (MANE Select); coding-DNA position 21, C replaced by T.
Protein change: p.Ser7=; no amino-acid change (serine 7 retained).
Molecular consequence: synonymous variant. On other transcripts: 5 prime UTR variant (1).
Genome position (GRCh38, 1-based): chr11:68,041,292, C>T. VCF-style: chr11-68041292-C-T. GRCh37 (hg19) VCF-style: chr11-67808759-C-T.
Other names: c.-1229C>T (NM_001351059.2).
Identifiers: ClinVar variation 882145 (VCV000882145.16), dbSNP rs373244328, ClinGen allele CA6146613.
Genomic context (GRCh38, chr11:68,041,292, plus strand): 5'-TGCCCCTGACTGGCCCCCATCCGTGTCCACCCACAGGACCATGGGCTCCATGTTCCGGAG[C>T]GAGGAGGTGGCCCTGGTCCAGCTCTTTCTGCCCACAGCGGCTGCCTACACCTGCGTGAGT-3'
Protein context (NP_006010.2, residues 1-17): MGSMFR[Ser7=]EEVALVQLFL

ClinVar aggregate classification (germline): Conflicting classifications of pathogenicity. Review status: criteria provided, conflicting classifications (1 of 4 stars). 5 submissions from 5 submitters: Uncertain significance (1); Likely benign (2). 2 of the submissions do not count toward it. Last evaluated 2026-01-26.

Conditions:
TCIRG1-related disorder. Also called: TCIRG1-related condition.
Autosomal recessive osteopetrosis 1. Also called: TCIRG1-Related Autosomal Recessive Osteopetrosis; TCIRG1-Related Osteopetrosis; ALBERS-SCHONBERG DISEASE, AUTOSOMAL RECESSIVE. Identifiers: Orphanet 667, MedGen C1850127, MONDO:0009815, OMIM 259700.

Allele frequency attached by ClinVar (database versions not stated): ESP Exome Variant Server 0.00008; TOPMed 0.00010; gnomAD 0.00011 and 0.00013; gnomAD exomes 0.00012 and 0.00013; ExAC 0.00013; 1000 Genomes Project 30x 0.00016.
gnomAD v4.1: 208 of 1,612,834 alleles (0.013%); highest among the groups gnomAD compares: Middle Eastern, 0.017%; no homozygotes.

Submissions (5):

Labcorp Genetics (formerly Invitae), Labcorp
Classification: Likely benign. Last evaluated: 2026-01-26. Review status: criteria provided, single submitter. Criteria: Invitae Variant Classification Sherloc (09022015). Collection method: clinical testing. Allele origin: germline.

Blueprint Genetics
Classification: Likely benign. Last evaluated: 2024-05-10. Review status: criteria provided, single submitter. Criteria: ACMG Guidelines, 2015. Collection method: clinical testing. Allele origin: germline.

Illumina Laboratory Services, Illumina
Classification: Uncertain significance for Autosomal recessive osteopetrosis 1. Last evaluated: 2018-01-12. Review status: criteria provided, single submitter. Criteria: ICSL Variant Classification Criteria 13 December 2019. Collection method: clinical testing. Allele origin: germline.

PreventionGenetics, part of Exact Sciences
Classification: Likely benign for TCIRG1-related condition. Last evaluated: 2020-07-17. Review status: no assertion criteria provided. Collection method: clinical testing. Allele origin: germline. Not counted in ClinVar's aggregate classification.
Comment: This variant is classified as likely benign based on ACMG/AMP sequence variant interpretation guidelines (Richards et al. 2015 PMID: 25741868, with internal and published modifications).

Natera, Inc.
Classification: Uncertain significance for Infantile malignant osteopetrosis. Last evaluated: 2020-04-15. Review status: no assertion criteria provided. Collection method: clinical testing. Allele origin: germline. Not counted in ClinVar's aggregate classification.